The following is an entry in ClinVar:

ClinVar aggregate classification (germline): Likely benign (1 of 4 stars; one submission).

Submission:

CeGaT Center for Human Genetics Tuebingen
Classification: Likely benign. Last evaluated: 2023-02-01. Review status: criteria provided, single submitter. Criteria: CeGaT Center For Human Genetics Tuebingen Variant Classification Criteria Version 2. Collection method: clinical testing. Allele origin: germline. Affected: yes. Observed: 1 variant allele.
Comment: CEL: PM2:Supporting, BP4, BP7

NM_001807.6(CEL):c.1839C>T (p.Pro613=)

Gene: CEL (carboxyl ester lipase; plus strand). Cytogenetic location: 9q34.13.
Variant type: single nucleotide variant.
Coding change: c.1839C>T on transcript NM_001807.6 (MANE Select); coding-DNA position 1839, C replaced by T.
Protein change: p.Pro613=; no amino-acid change (proline 613 retained).
Molecular consequence: synonymous variant.
Genome position (GRCh38, 1-based): chr9:133,071,341, C>T. VCF-style: chr9-133071341-C-T. GRCh37 (hg19) VCF-style: chr9-135946728-C-T.
Identifiers: ClinVar variation 2659672 (VCV002659672.24), dbSNP rs2490437641, ClinGen allele CA467814609.